The following is an entry in ClinVar:

ClinVar aggregate classification (germline): Uncertain significance. Review status: criteria provided, single submitter (1 of 4 stars). 2 submissions from 2 submitters: Uncertain significance (1). 1 of the submissions does not count toward it. Last evaluated 2022-08-21.

Conditions:
Autosomal recessive inherited pseudoxanthoma elasticum (PXE). Identifiers: Orphanet 758, MedGen CN032334, MONDO:0009925, OMIM 264800.

Allele frequency attached by ClinVar (database versions not stated): TOPMed below 0.00001.

Submissions (2):

Labcorp Genetics (formerly Invitae), Labcorp
Classification: Uncertain significance. Last evaluated: 2022-08-21. Review status: criteria provided, single submitter. Criteria: Invitae Variant Classification Sherloc (09022015). Collection method: clinical testing. Allele origin: germline.
Comment: Algorithms developed to predict the effect of missense changes on protein structure and function are either unavailable or do not agree on the potential impact of this missense change (SIFT: "Deleterious"; PolyPhen-2: "Probably Damaging"; Align-GVGD: "Class C0"). In summary, the available evidence is currently insufficient to determine the role of this variant in disease. Therefore, it has been classified as a Variant of Uncertain Significance. ClinVar contains an entry for this variant (Variation ID: 433250). This missense change has been observed in individual(s) with ABCC6-related conditions (PMID: 17617515). This variant is not present in population databases (gnomAD no frequency). This sequence change replaces leucine, which is neutral and non-polar, with histidine, which is basic and polar, at codon 463 of the ABCC6 protein (p.Leu463His).

PXE International
Classification: Uncertain significance for Autosomal recessive inherited pseudoxanthoma elasticum. Last evaluated: 2021-02-16. Review status: no assertion criteria provided. Collection method: research. Allele origin: germline. Inheritance: Autosomal recessive inheritance. Affected: yes. Observed: 1 variant allele. Not counted in ClinVar's aggregate classification.

Literature cited by the submitters: PubMed 17617515 (cited by Labcorp Genetics (formerly Invitae), Labcorp); PubMed 32873932 (cited by PXE International).

NM_001171.6(ABCC6):c.1388T>A (p.Leu463His)

Gene: ABCC6 (ATP binding cassette subfamily C member 6; minus strand). Cytogenetic location: 16p13.11.
Variant type: single nucleotide variant.
Coding change: c.1388T>A on transcript NM_001171.6 (MANE Select); coding-DNA position 1388, T replaced by A.
Protein change: p.Leu463His; replaces leucine 463 with histidine.
Molecular consequence: missense variant. On other transcripts: non-coding transcript variant (1).
Genome position (GRCh38, 1-based): chr16:16,192,873, A>T on the plus strand (T>A on the coding strand, the complement: ABCC6 is on the minus strand). VCF-style: chr16-16192873-A-T. GRCh37 (hg19) VCF-style: chr16-16286730-A-T.
Other names: c.1046T>A, p.Leu349His (NM_001351800.1); short protein forms L463H, L349H.
Identifiers: ClinVar variation 433250 (VCV000433250.7), dbSNP rs72653767, ClinGen allele CA278659952.